The following is an entry in ClinVar:

ClinVar aggregate classification (germline): Likely benign. Review status: criteria provided, multiple submitters, no conflicts (2 of 4 stars). 2 submissions from 2 submitters: Likely benign (2). Last evaluated 2026-01-15.

Conditions:
SETD2-related disorder.
Luscan-Lumish syndrome. Identifiers: Orphanet 597738, MedGen C4085873, MONDO:0014791, OMIM 616831.

Allele frequency attached by ClinVar (database versions not stated): gnomAD exomes 0.00001 and 0.00006; ExAC 0.00008; gnomAD 0.00021 and 0.00022; TOPMed 0.00022; ESP Exome Variant Server 0.00046.
gnomAD v4.1: 42 of 1,613,966 alleles (0.0026%); highest among the groups gnomAD compares: African/African-American, 0.053%; no homozygotes.

Submissions (2):

PreventionGenetics, part of Exact Sciences
Classification: Likely benign for SETD2-related condition. Last evaluated: 2026-01-15. Review status: criteria provided, single submitter. Criteria: ACMG Guidelines, 2015. Collection method: clinical testing. Allele origin: germline.
Comment: This variant is classified as likely benign based on ACMG/AMP sequence variant interpretation guidelines (Richards et al. 2015 PMID: 25741868, with internal and published modifications).

Labcorp Genetics (formerly Invitae), Labcorp
Classification: Likely benign for Luscan-Lumish syndrome. Last evaluated: 2025-09-24. Review status: criteria provided, single submitter. Criteria: Invitae Variant Classification Sherloc (09022015). Collection method: clinical testing. Allele origin: germline.

NM_014159.7(SETD2):c.5649T>C (p.Ile1883=)

Gene: SETD2 (SET domain containing 2, histone lysine methyltransferase; minus strand). Cytogenetic location: 3p21.31.
Variant type: single nucleotide variant.
Coding change: c.5649T>C on transcript NM_014159.7 (MANE Select); coding-DNA position 5649, T replaced by C.
Protein change: p.Ile1883=; no amino-acid change (isoleucine 1883 retained).
Molecular consequence: synonymous variant. On other transcripts: non-coding transcript variant (1).
Genome position (GRCh38, 1-based): chr3:47,084,131, A>G on the plus strand (T>C on the coding strand, the complement: SETD2 is on the minus strand). VCF-style: chr3-47084131-A-G. GRCh37 (hg19) VCF-style: chr3-47125621-A-G.
Other names: c.5517T>C, p.Ile1839= (NM_001349370.3).
Identifiers: ClinVar variation 760638 (VCV000760638.10), dbSNP rs141881457, ClinGen allele CA2362867.